The following is an entry in ClinVar:

ClinVar aggregate classification (germline): Uncertain significance (1 of 4 stars; one submission).

Conditions:
Baller-Gerold syndrome (BGS). Also called: CRANIOSYNOSTOSIS WITH RADIAL DEFECTS. Identifiers: Orphanet 1225, MedGen C0265308, MONDO:0009039, OMIM 218600.

Submission:

Labcorp Genetics (formerly Invitae), Labcorp
Classification: Uncertain significance for Baller-Gerold syndrome. Last evaluated: 2020-10-21. Review status: criteria provided, single submitter. Criteria: Invitae Variant Classification Sherloc (09022015). Collection method: clinical testing. Allele origin: germline.
Comment: Experimental studies and prediction algorithms are not available or were not evaluated, and the functional significance of this variant is currently unknown. In summary, the available evidence is currently insufficient to determine the role of this variant in disease. Therefore, it has been classified as a Variant of Uncertain Significance. This variant has not been reported in the literature in individuals with RECQL4-related conditions. This variant is not present in population databases (ExAC no frequency). This sequence change replaces serine with threonine at codon 1097 of the RECQL4 protein (p.Ser1097Thr). The serine residue is highly conserved and there is a small physicochemical difference between serine and threonine.

NM_004260.4(RECQL4):c.3290G>C (p.Ser1097Thr)

Gene: RECQL4 (RecQ like helicase 4; minus strand). Cytogenetic location: 8q24.3.
Variant type: single nucleotide variant.
Coding change: c.3290G>C on transcript NM_004260.4 (MANE Select); coding-DNA position 3290, G replaced by C.
Protein change: p.Ser1097Thr; replaces serine 1097 with threonine.
Molecular consequence: missense variant.
Genome position (GRCh38, 1-based): chr8:144,512,014, C>G on the plus strand (G>C on the coding strand, the complement: RECQL4 is on the minus strand). VCF-style: chr8-144512014-C-G. GRCh37 (hg19) VCF-style: chr8-145737397-C-G.
Other names: short protein forms S1097T.
Identifiers: ClinVar variation 1001604 (VCV001001604.3), dbSNP rs1400903506, ClinGen allele CA372668935.